The following is an entry in ClinVar:

NM_001378452.1(ITPR1):c.4126G>A (p.Asp1376Asn)

Gene: ITPR1 (inositol 1,4,5-trisphosphate receptor type 1; plus strand). Cytogenetic location: 3p26.1.
Variant type: single nucleotide variant.
Coding change: c.4126G>A on transcript NM_001378452.1 (MANE Select); coding-DNA position 4126, G replaced by A.
Protein change: p.Asp1376Asn; replaces aspartic acid 1376 with asparagine.
Molecular consequence: missense variant.
Genome position (GRCh38, 1-based): chr3:4,693,586, G>A. VCF-style: chr3-4693586-G-A. GRCh37 (hg19) VCF-style: chr3-4735270-G-A.
Other names: c.4099G>A, p.Asp1367Asn (NM_001099952.4); c.4081G>A, p.Asp1361Asn (NM_001168272.2); c.4054G>A, p.Asp1352Asn (NM_002222.7); short protein forms D1367N, D1352N, D1376N, D1361N.
Identifiers: ClinVar variation 2316575 (VCV002316575.27), dbSNP rs2469825287, ClinGen allele CA351631607.
Genomic context (GRCh38, chr3:4,693,586, plus strand): 5'-AACGACAGAGCCTCTTTCCAGACTCTGATCCAGATGATGCGGTCAGAACGGGATCGGATG[G>A]ATGAGAACAGCCCTCTCATGTACCACATCCACTTGGTCGAGCTCCTGGCTGTGTGCACGG-3'
Protein context (NP_001365381.1, residues 1366-1386): QMMRSERDRM[Asp1376Asn]ENSPLMYHIH

ClinVar aggregate classification (germline): Uncertain significance. Review status: criteria provided, multiple submitters, no conflicts (2 of 4 stars). 2 submissions from 2 submitters: Uncertain significance (2). Last evaluated 2023-07-01.

Conditions:
Inborn genetic diseases. Identifiers: MedGen C0950123, MeSH D030342.

Submissions (2):

CeGaT Center for Human Genetics Tuebingen
Classification: Uncertain significance. Last evaluated: 2023-07-01. Review status: criteria provided, single submitter. Criteria: CeGaT Center For Human Genetics Tuebingen Variant Classification Criteria Version 2. Collection method: clinical testing. Allele origin: germline. Affected: yes. Observed: 1 variant allele.
Comment: ITPR1: PM2

Ambry Genetics
Classification: Uncertain significance for Inborn genetic diseases. Last evaluated: 2022-10-04. Review status: criteria provided, single submitter. Criteria: Ambry Variant Classification Scheme 2023. Collection method: clinical testing. Allele origin: germline.